The following is an entry in ClinVar:

NM_001371623.1(TCOF1):c.4053G>A (p.Ser1351=)

Gene: TCOF1 (treacle ribosome biogenesis factor 1; plus strand). Cytogenetic location: 5q32.
Variant type: single nucleotide variant.
Coding change: c.4053G>A on transcript NM_001371623.1 (MANE Select); coding-DNA position 4053, G replaced by A.
Protein change: p.Ser1351=; no amino-acid change (serine 1351 retained).
Molecular consequence: synonymous variant.
Genome position (GRCh38, 1-based): chr5:150,396,550, G>A. VCF-style: chr5-150396550-G-A. GRCh37 (hg19) VCF-style: chr5-149776113-G-A.
Other names: c.3819G>A, p.Ser1273= (NM_000356.4); c.4050G>A, p.Ser1350= (NM_001135243.2); c.3939G>A, p.Ser1313= (NM_001135244.2); c.3822G>A, p.Ser1274= (NM_001135245.2); c.3936G>A, p.Ser1312= (NM_001195141.2).
Identifiers: ClinVar variation 130573 (VCV000130573.17), dbSNP rs114169102, ClinGen allele CA155686.

ClinVar aggregate classification (germline): Benign. Review status: criteria provided, multiple submitters, no conflicts (2 of 4 stars). 4 submissions from 4 submitters: Benign (3). 1 of the submissions does not count toward it. Last evaluated 2026-01-19.

Conditions:
Treacher Collins syndrome 1 (TCS1). Also called: TCOF1-Related Treacher Collins Syndrome. Identifiers: Orphanet 861, MedGen CN315775, MONDO:0007944, OMIM 154500.

Allele frequency attached by ClinVar (database versions not stated): gnomAD exomes 0.00112 and 0.00281; ExAC 0.00519; ESP Exome Variant Server 0.01058; gnomAD 0.01117 and 0.01206; 1000 Genomes Project 0.01258; TOPMed 0.01294; 1000 Genomes Project 30x 0.01327.
gnomAD v4.1: 3,412 of 1,592,290 alleles (0.21%); highest among the groups gnomAD compares: African/African-American, 3.9%; 53 homozygotes.

Submissions (4):

Labcorp Genetics (formerly Invitae), Labcorp
Classification: Benign for Treacher Collins syndrome 1. Last evaluated: 2026-01-19. Review status: criteria provided, single submitter. Criteria: Invitae Variant Classification Sherloc (09022015). Collection method: clinical testing. Allele origin: germline.

Athena Diagnostics
Classification: Benign. Last evaluated: 2019-07-10. Review status: criteria provided, single submitter. Criteria: Athena Diagnostics Criteria. Collection method: clinical testing. Allele origin: germline.

GeneDx
Classification: Benign. Last evaluated: 2015-03-03. Review status: criteria provided, single submitter. Criteria: GeneDx Variant Classification Process June 2021. Collection method: clinical testing. Allele origin: germline. Affected: yes.

Genetic Services Laboratory, University of Chicago
Classification: Likely benign for AllHighlyPenetrant. Review status: no assertion criteria provided. Collection method: clinical testing. Allele origin: germline. Inheritance: Autosomal dominant inheritance. Not counted in ClinVar's aggregate classification.
Comment: Likely benign based on allele frequency in 1000 Genomes Project or ESP global frequency and its presence in a patient with a rare or unrelated disease phenotype. NOT Sanger confirmed.